The following is an entry in ClinVar:

NM_006950.3(SYN1):c.635G>A (p.Ser212Asn)

Gene: SYN1 (synapsin I; minus strand). Cytogenetic location: Xp11.23.
Variant type: single nucleotide variant.
Coding change: c.635G>A on transcript NM_006950.3 (MANE Select); coding-DNA position 635, G replaced by A.
Protein change: p.Ser212Asn; replaces serine 212 with asparagine.
Molecular consequence: missense variant.
Genome position (GRCh38, 1-based): chrX:47,605,272, C>T on the plus strand (G>A on the coding strand, the complement: SYN1 is on the minus strand). VCF-style: chrX-47605272-C-T. GRCh37 (hg19) VCF-style: chrX-47464671-C-T.
Other names: c.635G>A, p.Ser212Asn (NM_133499.2); short protein forms S212N.
Identifiers: ClinVar variation 1019614 (VCV001019614.10), dbSNP rs1556860638, ClinGen allele CA412824470.

ClinVar aggregate classification (germline): Uncertain significance. Review status: criteria provided, multiple submitters, no conflicts (2 of 4 stars). 2 submissions from 2 submitters: Uncertain significance (2). Last evaluated 2025-05-18.

Conditions:
Epilepsy, X-linked 1, with variable learning disabilities and behavior disorders. Also called: X-linked epilepsy-learning disabilities-behavior disorders syndrome. Identifiers: Orphanet 85294, MedGen C5774177, MONDO:0010339, OMIM 300491.

Submissions (2):

GeneDx
Classification: Uncertain significance. Last evaluated: 2025-05-18. Review status: criteria provided, single submitter. Criteria: GeneDx Variant Classification Process June 2021. Collection method: clinical testing. Allele origin: germline. Affected: yes.
Comment: Not observed at significant frequency in large population cohorts (gnomAD); In silico analysis supports that this missense variant has a deleterious effect on protein structure/function; Has not been previously published as pathogenic or benign to our knowledge

Labcorp Genetics (formerly Invitae), Labcorp
Classification: Uncertain significance for Epilepsy, X-linked 1, with variable learning disabilities and behavior disorders. Last evaluated: 2020-09-20. Review status: criteria provided, single submitter. Criteria: Invitae Variant Classification Sherloc (09022015). Collection method: clinical testing. Allele origin: germline.
Comment: In summary, the available evidence is currently insufficient to determine the role of this variant in disease. Therefore, it has been classified as a Variant of Uncertain Significance. Algorithms developed to predict the effect of missense changes on protein structure and function are either unavailable or do not agree on the potential impact of this missense change (SIFT: "Deleterious"; PolyPhen-2: "Possibly Damaging"; Align-GVGD: "Class C0"). This variant has been observed in individual(s) with clinical features of X-linked epilepsy with variable learning disabilities and behavior disorders (Invitae). This variant is not present in population databases (ExAC no frequency). This sequence change replaces serine with asparagine at codon 212 of the SYN1 protein (p.Ser212Asn). The serine residue is highly conserved and there is a small physicochemical difference between serine and asparagine.